The following is an entry in ClinVar:

NM_153717.3(EVC):c.1694del (p.Ala565fs)

Gene: EVC (EvC ciliary complex subunit 1; plus strand). Cytogenetic location: 4p16.2.
Variant type: Deletion.
Coding change: c.1694del on transcript NM_153717.3 (MANE Select); coding-DNA position 1694, one base deleted (C; older notation c.1694delC).
Protein change: p.Ala565fs; shifts the reading frame from alanine 565.
Molecular consequence: frameshift variant.
Genome position (GRCh38, 1-based): chr4:5,783,682, C deleted. VCF-style (leftmost placement, unchanged base first): chr4-5783681-GC-G. GRCh37 (hg19) VCF-style: chr4-5785408-GC-G.
Other names: c.1694delC (NM_153717.3); c.1694del, p.Ala565fs (NM_001306090.2); c.1694del (NM_153717.2); short protein forms A565fs.
Identifiers: ClinVar variation 551227 (VCV000551227.17), dbSNP rs753014919, ClinGen allele CA2836226.
Genomic context (GRCh38, chr4:5,783,681, plus strand): 5'-GGCATGACTGGCCTCCCCCCGGAAGAGTGTGACTACTTGAGGCAGGAAGTCCAGGAGAAC[GC>G]TGCCTGGCAGCTGGGGAAGTCAAATCGCTTCCGGAGGCAGCAGTGGAAACTCTTCCAGGA-3'

ClinVar aggregate classification (germline): Pathogenic. Review status: criteria provided, multiple submitters, no conflicts (2 of 4 stars). 5 submissions from 5 submitters: Pathogenic (4). 1 of the submissions does not count toward it. Last evaluated 2025-10-09.

Conditions:
Curry-Hall syndrome (WAD). Also called: WEYERS ACRODENTAL DYSOSTOSIS. Identifiers: Orphanet 952, MedGen C0457013, MONDO:0008673, OMIM 193530.
Ellis-van Creveld syndrome (EVC). Also called: Chondroectodermal dysplasia; MESOECTODERMAL DYSPLASIA. Identifiers: Orphanet 289, MedGen C0013903, MONDO:0009162, OMIM 225500.
EVC-related disorder. Also called: EVC-related condition; EVC-related disorders.

Allele frequency attached by ClinVar (database versions not stated): ExAC 0.00004; gnomAD exomes 0.00005; TOPMed 0.00005; ESP Exome Variant Server 0.00008; gnomAD 0.00011 and 0.00012.

Submissions (5):

Labcorp Genetics (formerly Invitae), Labcorp
Classification: Pathogenic for Curry-Hall syndrome; Ellis-van Creveld syndrome. Last evaluated: 2025-10-09. Review status: criteria provided, single submitter. Criteria: Invitae Variant Classification Sherloc (09022015). Collection method: clinical testing. Allele origin: germline.
Comment: This sequence change creates a premature translational stop signal (p.Ala565Valfs*23) in the EVC gene. It is expected to result in an absent or disrupted protein product. Loss-of-function variants in EVC are known to be pathogenic (PMID: 23220543). This variant is present in population databases (rs753014919, gnomAD 0.02%). This premature translational stop signal has been observed in individuals with Ellis-van Creveld syndrome (PMID: 17024374, 23220543). ClinVar contains an entry for this variant (Variation ID: 551227). For these reasons, this variant has been classified as Pathogenic.

Natera, Inc.
Classification: Pathogenic for Ellis-van Creveld syndrome. Last evaluated: 2025-01-10. Review status: criteria provided, single submitter. Criteria: Natera Variant Classification Schema (03/2026). Collection method: clinical testing. Allele origin: germline.
Comment: The c.1694delC variant in EVC is a frameshift variant predicted to shift the reading frame beginning at codon 565 and leads to a stop codon 23 codons downstream. This variant is expected to result in nonsense mediated decay, truncation, or a dysfunctional protein product. This variant is rare in the general population with a frequency below the threshold expected for the associated phenotype(s). This variant has been observed in one or more individuals affected with the associated recessive disease, as either homozygous or compound heterozygous with a second variant (PMID: 17024374, 23220543). Given the available evidence, this variant is classified as Pathogenic.

Blueprint Genetics
Classification: Pathogenic for EVC-related disorders. Last evaluated: 2024-07-16. Review status: criteria provided, single submitter. Criteria: ACMG Guidelines, 2015. Collection method: clinical testing. Allele origin: germline. Affected: yes. Observed: 5 variant alleles.

Revvity Omics, Revvity
Classification: Pathogenic. Last evaluated: 2022-06-06. Review status: criteria provided, single submitter. Criteria: ACMG Guidelines, 2015. Collection method: clinical testing. Allele origin: germline.

Counsyl
Classification: Pathogenic for Ellis-van Creveld syndrome. Last evaluated: 2017-04-04. Review status: no assertion criteria provided. Collection method: clinical testing. Allele origin: unknown. Not counted in ClinVar's aggregate classification.

Literature cited by the submitters: PubMed 23220543 (cited by 3 submitters); PubMed 17024374 (cited by Labcorp Genetics (formerly Invitae), Labcorp and Natera, Inc.).